The following is an entry in ClinVar:

NM_000093.5(COL5A1):c.409G>T (p.Val137Phe)

Gene: COL5A1 (collagen type V alpha 1 chain; plus strand). Cytogenetic location: 9q34.3.
Variant type: single nucleotide variant.
Coding change: c.409G>T on transcript NM_000093.5 (MANE Select); coding-DNA position 409, G replaced by T.
Protein change: p.Val137Phe; replaces valine 137 with phenylalanine.
Molecular consequence: missense variant.
Genome position (GRCh38, 1-based): chr9:134,700,040, G>T. VCF-style: chr9-134700040-G-T. GRCh37 (hg19) VCF-style: chr9-137591886-G-T.
Other names: c.409G>T, p.Val137Phe (NM_001278074.1); short protein forms V137F.
Identifiers: ClinVar variation 636906 (VCV000636906.6), dbSNP rs145757313, ClinGen allele CA375442950.

ClinVar aggregate classification (germline): Uncertain significance. Review status: criteria provided, multiple submitters, no conflicts (2 of 4 stars). 3 submissions from 3 submitters: Uncertain significance (2). 1 of the submissions does not count toward it. Last evaluated 2025-12-19.

Conditions:
COL5A1-related disorder. Also called: COL5A1-related condition.
Ehlers-Danlos syndrome, classic type, 1 (EDSCL1). Also called: Ehlers-Danlos syndrome, type 1; EHLERS-DANLOS SYNDROME, GRAVIS TYPE; EHLERS-DANLOS SYNDROME, SEVERE CLASSIC TYPE; Ehlers-Danlos Syndrome, Classic Type, COL5A1-Related; EDS I. Identifiers: MedGen C0268335, MONDO:0019567, OMIM 130000.

gnomAD v4.1: 5 of 1,613,332 alleles (0.00031%); highest among the groups gnomAD compares: Non-Finnish European, 0.00042%; 1 homozygote.

Submissions (3):

Labcorp Genetics (formerly Invitae), Labcorp
Classification: Uncertain significance for Ehlers-Danlos syndrome, classic type, 1. Last evaluated: 2025-12-19. Review status: criteria provided, single submitter. Criteria: Invitae Variant Classification Sherloc (09022015). Collection method: clinical testing. Allele origin: germline.
Comment: This sequence change replaces valine, which is neutral and non-polar, with phenylalanine, which is neutral and non-polar, at codon 137 of the COL5A1 protein (p.Val137Phe). This variant is not present in population databases (gnomAD no frequency). This variant has not been reported in the literature in individuals affected with COL5A1-related conditions. ClinVar contains an entry for this variant (Variation ID: 636906). Invitae Evidence Modeling of protein sequence and biophysical properties (such as structural, functional, and spatial information, amino acid conservation, physicochemical variation, residue mobility, and thermodynamic stability) indicates that this missense variant is not expected to disrupt COL5A1 protein function with a negative predictive value of 95%. In summary, the available evidence is currently insufficient to determine the role of this variant in disease. Therefore, it has been classified as a Variant of Uncertain Significance.

Blueprint Genetics
Classification: Uncertain significance. Last evaluated: 2023-07-12. Review status: criteria provided, single submitter. Criteria: ACMG Guidelines, 2015. Collection method: clinical testing. Allele origin: germline.

PreventionGenetics, part of Exact Sciences
Classification: Uncertain significance for COL5A1-related condition. Last evaluated: 2024-08-30. Review status: no assertion criteria provided. Collection method: clinical testing. Allele origin: germline. Not counted in ClinVar's aggregate classification.
Comment: The COL5A1 c.409G>T variant is predicted to result in the amino acid substitution p.Val137Phe. To our knowledge, this variant has not been reported in the literature or in a large population database, indicating this variant is rare. At this time, the clinical significance of this variant is uncertain due to the absence of conclusive functional and genetic evidence.